The following is an entry in ClinVar:

ClinVar aggregate classification (germline): Pathogenic (1 of 4 stars; one submission).

Submission:

Labcorp Genetics (formerly Invitae), Labcorp
Classification: Pathogenic. Last evaluated: 2021-10-23. Review status: criteria provided, single submitter. Criteria: Invitae Variant Classification Sherloc (09022015). Collection method: clinical testing. Allele origin: germline.
Comment: For these reasons, this variant has been classified as Pathogenic. This variant has not been reported in the literature in individuals affected with STAR-related conditions. This variant is not present in population databases (ExAC no frequency). This sequence change creates a premature translational stop signal (p.Thr44Profs*65) in the STAR gene. It is expected to result in an absent or disrupted protein product. Loss-of-function variants in STAR are known to be pathogenic (PMID: 8948562).

Literature cited by the submitters: PubMed 8948562.

NM_000349.3(STAR):c.129del (p.Thr44fs)

Gene: STAR (steroidogenic acute regulatory protein; minus strand). Cytogenetic location: 8p11.23.
Variant type: Deletion.
Coding change: c.129del on transcript NM_000349.3 (MANE Select); coding-DNA position 129, one base deleted (C; older notation c.129delC).
Protein change: p.Thr44fs; shifts the reading frame from threonine 44.
Molecular consequence: frameshift variant.
Genome position (GRCh38, 1-based): chr8:38,148,690, G deleted on the plus strand (C on the coding strand, the reverse complement: STAR is on the minus strand); the first of 4 consecutive G bases (chr8:38,148,690-38,148,693); deleting any one gives the same sequence. VCF-style (leftmost placement, unchanged base first): chr8-38148689-TG-T. GRCh37 (hg19) VCF-style: chr8-38006207-TG-T.
Other names: short protein forms T44fs.
Identifiers: ClinVar variation 1456378 (VCV001456378.6), dbSNP rs2130617478, ClinGen allele CA2573142770.